The following is an entry in ClinVar:

ClinVar aggregate classification (germline): Pathogenic (1 of 4 stars; one submission).

Conditions:
Hereditary hemorrhagic telangiectasia (HHT). Also called: ORW DISEASE; Osler Weber Rendu syndrome; OSLER-RENDU-WEBER DISEASE; Osler hemorrhagic telangiectasia syndrome. Identifiers: Orphanet 774, MedGen C0039445, MONDO:0019180. Disease mechanism: loss of function.

Submission:

Labcorp Genetics (formerly Invitae), Labcorp
Classification: Pathogenic for Hereditary hemorrhagic telangiectasia. Last evaluated: 2024-08-18. Review status: criteria provided, single submitter. Criteria: Invitae Variant Classification Sherloc (09022015). Collection method: clinical testing. Allele origin: germline.
Comment: This sequence change creates a premature translational stop signal (p.Val371Glyfs*25) in the ENG gene. It is expected to result in an absent or disrupted protein product. Loss-of-function variants in ENG are known to be pathogenic (PMID: 15879500). This variant is not present in population databases (gnomAD no frequency). This premature translational stop signal has been observed in individual(s) with hemorrhagic telangiectasia (PMID: 8595426, 12673790, 21158752). ClinVar contains an entry for this variant (Variation ID: 458325). For these reasons, this variant has been classified as Pathogenic.

Literature cited by the submitters: PubMed 15879500; PubMed 8595426; PubMed 12673790; PubMed 21158752.

NM_001114753.3(ENG):c.1111dup (p.Val371fs)

Gene: ENG (endoglin; minus strand). Cytogenetic location: 9q34.11.
Variant type: Duplication.
Coding change: c.1111dup on transcript NM_001114753.3 (MANE Select); coding-DNA position 1111, one base duplicated (G; older notation c.1111dupG).
Protein change: p.Val371fs; shifts the reading frame from valine 371.
Molecular consequence: frameshift variant.
Genome position (GRCh38, 1-based): chr9:127,824,327, C duplicated on the plus strand (G on the coding strand, the reverse complement: ENG is on the minus strand); the first of 2 consecutive C bases (chr9:127,824,327-127,824,328); duplicating either gives the same sequence. VCF-style (leftmost placement, unchanged base first): chr9-127824326-A-AC. GRCh37 (hg19) VCF-style: chr9-130586605-A-AC.
Other names: c.1110dup, p.Val371Glyfs (NM_000118.4, NM_001406715.1); c.565dup, p.Val189fs (NM_001278138.2); c.1111dupG (NM_000118.3); short protein forms V371fs, V189fs.
Identifiers: ClinVar variation 458325 (VCV000458325.11), dbSNP rs1554810041, ClinGen allele CA658656031.